The following is an entry in ClinVar:

NM_197968.4(ZMYM2):c.3345A>G (p.Thr1115=)

Gene: ZMYM2 (zinc finger MYM-type containing 2; plus strand). Cytogenetic location: 13q12.11.
Variant type: single nucleotide variant.
Coding change: c.3345A>G on transcript NM_197968.4 (MANE Select); coding-DNA position 3345, A replaced by G.
Protein change: p.Thr1115=; no amino-acid change (threonine 1115 retained).
Molecular consequence: synonymous variant. On other transcripts: non-coding transcript variant (1).
Genome position (GRCh38, 1-based): chr13:20,067,282, A>G. VCF-style: chr13-20067282-A-G. GRCh37 (hg19) VCF-style: chr13-20641422-A-G.
Other names: c.3345A>G, p.Thr1115= (NM_001190964.4, NM_001190965.4, NM_001353157.2 and 5 more transcripts); c.3150A>G, p.Thr1050= (NM_001353161.3); c.3084A>G, p.Thr1028= (NM_001353163.2).
Identifiers: ClinVar variation 4994158 (VCV004994158.1).

ClinVar aggregate classification (germline): Benign (1 of 4 stars; one submission).

Conditions:
ZMYM2-related disorder. Also called: ZMYM2-related condition.

gnomAD v4.1: 4,320 of 1,589,692 alleles (0.27%); highest among the groups gnomAD compares: African/African-American, 4.9%; 102 homozygotes.

Submission:

PreventionGenetics, part of Exact Sciences
Classification: Benign for ZMYM2-related condition. Last evaluated: 2024-10-02. Review status: criteria provided, single submitter. Criteria: ACMG Guidelines, 2015. Collection method: clinical testing. Allele origin: germline.
Comment: This variant is classified as benign based on ACMG/AMP sequence variant interpretation guidelines (Richards et al. 2015 PMID: 25741868, with internal and published modifications).